The following is an entry in ClinVar:

ClinVar aggregate classification (germline): Uncertain significance. Review status: criteria provided, multiple submitters, no conflicts (2 of 4 stars). 2 submissions from 2 submitters: Uncertain significance (2). Last evaluated 2026-07-01.

Conditions:
Progressive sclerosing poliodystrophy (MTDPS4A). Also called: Alpers Syndrome; Mitochondrial DNA depletion syndrome 4A (Alpers type); Alpers-Huttenlocher Syndrome (AHS); Mitochondrial DNA Depletion Syndrome 4A; NEURONAL DEGENERATION OF CHILDHOOD WITH LIVER DISEASE, PROGRESSIVE; ALPERS PROGRESSIVE INFANTILE POLIODYSTROPHY. Identifiers: Orphanet 726, MedGen C0205710, MONDO:0008758, OMIM 203700.

Allele frequency attached by ClinVar (database versions not stated): gnomAD exomes below 0.00001 and 0.00001; ExAC 0.00001.
gnomAD v4.1: 4 of 1,612,864 alleles (0.00025%); highest among the groups gnomAD compares: Non-Finnish European, 0.00034%; no homozygotes.

Submissions (2):

CeGaT Center for Human Genetics Tuebingen
Classification: Uncertain significance. Last evaluated: 2026-07-01. Review status: criteria provided, single submitter. Criteria: CeGaT Center For Human Genetics Tuebingen Variant Classification Criteria Version 2. Collection method: clinical testing. Allele origin: germline. Affected: yes. Observed: 1 variant allele.
Comment: POLG: PM2

Labcorp Genetics (formerly Invitae), Labcorp
Classification: Uncertain significance for Progressive sclerosing poliodystrophy. Last evaluated: 2025-04-10. Review status: criteria provided, single submitter. Criteria: Invitae Variant Classification Sherloc (09022015). Collection method: clinical testing. Allele origin: germline.
Comment: This sequence change replaces arginine, which is basic and polar, with glycine, which is neutral and non-polar, at codon 81 of the POLG protein (p.Arg81Gly). This variant is present in population databases (rs764544892, gnomAD 0.0009%). This variant has not been reported in the literature in individuals affected with POLG-related conditions. ClinVar contains an entry for this variant (Variation ID: 1015965). Invitae Evidence Modeling of protein sequence and biophysical properties (such as structural, functional, and spatial information, amino acid conservation, physicochemical variation, residue mobility, and thermodynamic stability) indicates that this missense variant is expected to disrupt POLG protein function with a positive predictive value of 80%. In summary, the available evidence is currently insufficient to determine the role of this variant in disease. Therefore, it has been classified as a Variant of Uncertain Significance.

NM_002693.3(POLG):c.241A>G (p.Arg81Gly)

Genes: POLG (DNA polymerase gamma, catalytic subunit; minus strand), POLGARF (POLG alternative reading frame; minus strand). Cytogenetic location: 15q26.1.
Variant type: single nucleotide variant.
Coding change: c.241A>G on transcript NM_002693.3 (MANE Select); coding-DNA position 241, A replaced by G.
Protein change: p.Arg81Gly; replaces arginine 81 with glycine.
Molecular consequence: missense variant.
Genome position (GRCh38, 1-based): chr15:89,333,514, T>C on the plus strand (A>G on the coding strand, the complement: POLG is on the minus strand). VCF-style: chr15-89333514-T-C. GRCh37 (hg19) VCF-style: chr15-89876745-T-C.
Other names: c.241A>G, p.Arg81Gly (NM_001126131.2); short protein forms R81G.
Identifiers: ClinVar variation 1015965 (VCV001015965.10), dbSNP rs764544892, ClinGen allele CA7725152.
Genomic context (GRCh38, chr15:89,333,514, plus strand): 5'-GCACCGCGGCCTCGCCAGGCATCTCCCCTCCTTGCCCGAAGATTTGCTCGTGCAGCCCTC[T>C]CGAGAGCATCTGGATGTCCAATGGGTTGTGCCGCAGCTGCCCGCCCTCCGAGGATAGCAC-3'
Protein context (NP_002684.1, residues 71-91): HNPLDIQMLS[Arg81Gly]GLHEQIFGQG